The following is an entry in ClinVar:

ClinVar aggregate classification (germline): Uncertain significance. Review status: criteria provided, multiple submitters, no conflicts (2 of 4 stars). 2 submissions from 2 submitters: Uncertain significance (2). Last evaluated 2026-04-21.

Conditions:
Familial episodic pain syndrome with predominantly lower limb involvement. Also called: Episodic pain syndrome, familial, 3. Identifiers: Orphanet 391384, Orphanet 391392, MedGen C3809899, MONDO:0014247, OMIM 615552.
Hereditary sensory and autonomic neuropathy type 7. Also called: HSAN VII; Neuropathy, hereditary sensory and autonomic, type VII. Identifiers: Orphanet 391397, MedGen C3809882, MONDO:0014244, OMIM 615548.
SCN11A-related disorder. Also called: SCN11A-related condition.

Allele frequency attached by ClinVar (database versions not stated): ExAC 0.00001; gnomAD 0.00001; gnomAD exomes 0.00001; TOPMed 0.00001.
gnomAD v4.1: 12 of 1,612,682 alleles (0.00074%); highest among the groups gnomAD compares: Admixed American, 0.018%; no homozygotes.

Submissions (2):

PreventionGenetics, part of Exact Sciences
Classification: Uncertain significance for SCN11A-related condition. Last evaluated: 2026-04-21. Review status: criteria provided, single submitter. Criteria: ACMG Guidelines, 2015. Collection method: clinical testing. Allele origin: germline.
Comment: The SCN11A c.3652A>G variant is predicted to result in the amino acid substitution p.Thr1218Ala. To our knowledge, this variant has not been reported in the literature. This variant is reported in 0.0085% of alleles in individuals of Latino descent in gnomAD. At this time, the clinical significance of this variant is uncertain due to the absence of conclusive functional and genetic evidence.

Labcorp Genetics (formerly Invitae), Labcorp
Classification: Uncertain significance for Familial episodic pain syndrome with predominantly lower limb involvement; Hereditary sensory and autonomic neuropathy type 7. Last evaluated: 2025-01-20. Review status: criteria provided, single submitter. Criteria: Invitae Variant Classification Sherloc (09022015). Collection method: clinical testing. Allele origin: germline.
Comment: This sequence change replaces threonine, which is neutral and polar, with alanine, which is neutral and non-polar, at codon 1218 of the SCN11A protein (p.Thr1218Ala). This variant is present in population databases (rs755040820, gnomAD 0.009%). This variant has not been reported in the literature in individuals affected with SCN11A-related conditions. ClinVar contains an entry for this variant (Variation ID: 965984). Invitae Evidence Modeling of protein sequence and biophysical properties (such as structural, functional, and spatial information, amino acid conservation, physicochemical variation, residue mobility, and thermodynamic stability) indicates that this missense variant is not expected to disrupt SCN11A protein function with a negative predictive value of 80%. In summary, the available evidence is currently insufficient to determine the role of this variant in disease. Therefore, it has been classified as a Variant of Uncertain Significance.

NM_001349253.2(SCN11A):c.3652A>G (p.Thr1218Ala)

Genes: SCN11A (sodium voltage-gated channel alpha subunit 11; minus strand), LOC126806652 (CDK7 strongly-dependent group 2 enhancer GRCh37_chr3:38912374-38913573; plus strand). Cytogenetic location: 3p22.2.
Variant type: single nucleotide variant.
Coding change: c.3652A>G on transcript NM_001349253.2 (MANE Select); coding-DNA position 3652, A replaced by G.
Protein change: p.Thr1218Ala; replaces threonine 1218 with alanine.
Molecular consequence: missense variant.
Genome position (GRCh38, 1-based): chr3:38,871,552, T>C on the plus strand (A>G on the coding strand, the complement: SCN11A is on the minus strand). VCF-style: chr3-38871552-T-C. GRCh37 (hg19) VCF-style: chr3-38913043-T-C.
Other names: c.3652A>G, p.Thr1218Ala (NM_014139.3); short protein forms T1218A.
Identifiers: ClinVar variation 965984 (VCV000965984.8), dbSNP rs755040820, ClinGen allele CA2321742.
Genomic context (GRCh38, chr3:38,871,552, plus strand): 5'-CTTTCTGGTTGATCCAAGAGAAATTGCCACTTTCACATTGACTTTTATTTGTAATGATGG[T>C]ATAATTTATAACTGAGTCTGTTCCATTAATGCATTTCCCAAATTTTCCAGAAAAGAAGTA-3'
Protein context (NP_001336182.1, residues 1208-1228): INGTDSVINY[Thr1218Ala]IITNKSQCES